The following is an entry in ClinVar:

ClinVar aggregate classification (germline): Uncertain significance (1 of 4 stars; one submission).

Submission:

Labcorp Genetics (formerly Invitae), Labcorp
Classification: Uncertain significance. Last evaluated: 2022-09-27. Review status: criteria provided, single submitter. Criteria: Invitae Variant Classification Sherloc (09022015). Collection method: clinical testing. Allele origin: germline.
Comment: In summary, the available evidence is currently insufficient to determine the role of this variant in disease. Therefore, it has been classified as a Variant of Uncertain Significance. Algorithms developed to predict the effect of missense changes on protein structure and function output the following: SIFT: "Not Available"; PolyPhen-2: "Probably Damaging"; Align-GVGD: "Class C65". The serine amino acid residue is found in multiple mammalian species, which suggests that this missense change does not adversely affect protein function. This variant has not been reported in the literature in individuals affected with CLCC1-related conditions. This variant is not present in population databases (gnomAD no frequency). This sequence change replaces glycine, which is neutral and non-polar, with serine, which is neutral and polar, at codon 551 of the CLCC1 protein (p.Gly551Ser).

NM_001377458.1(CLCC1):c.1651G>A (p.Gly551Ser)

Gene: CLCC1 (chloride channel CLIC like 1; minus strand). Cytogenetic location: 1p13.3.
Variant type: single nucleotide variant.
Coding change: c.1651G>A on transcript NM_001377458.1 (MANE Select); coding-DNA position 1651, G replaced by A.
Protein change: p.Gly551Ser; replaces glycine 551 with serine.
Molecular consequence: missense variant. On other transcripts: non-coding transcript variant (1).
Genome position (GRCh38, 1-based): chr1:108,934,675, C>T on the plus strand (G>A on the coding strand, the complement: CLCC1 is on the minus strand). VCF-style: chr1-108934675-C-T. GRCh37 (hg19) VCF-style: chr1-109477297-C-T.
Other names: c.1360G>A, p.Gly454Ser (NM_001377470.1); c.1501G>A, p.Gly501Ser (NM_015127.5); c.1651G>A, p.Gly551Ser (NM_001048210.3, NM_001377459.1, NM_001377460.1 and 8 more transcripts); c.1288G>A, p.Gly430Ser (NM_001278202.2); c.1096G>A, p.Gly366Ser (NM_001278203.1); c.1549G>A, p.Gly517Ser (NM_001377469.1); short protein forms G501S, G517S, G366S, G551S, G430S, G454S.
Identifiers: ClinVar variation 2067851 (VCV002067851.4), dbSNP rs2524073808, ClinGen allele CA341455007.